The following is an entry in ClinVar:

NM_025265.4(TSEN2):c.1227A>C (p.Arg409Ser)

Gene: TSEN2 (tRNA splicing endonuclease subunit 2; plus strand). Cytogenetic location: 3p25.2.
Variant type: single nucleotide variant.
Coding change: c.1227A>C on transcript NM_025265.4 (MANE Select); coding-DNA position 1227, A replaced by C.
Protein change: p.Arg409Ser; replaces arginine 409 with serine.
Molecular consequence: missense variant. On other transcripts: non-coding transcript variant (1).
Genome position (GRCh38, 1-based): chr3:12,529,852, A>C. VCF-style: chr3-12529852-A-C. GRCh37 (hg19) VCF-style: chr3-12571351-A-C.
Other names: c.1227A>C, p.Arg409Ser (NM_001145392.2, NM_001321277.2, NM_001321278.2); c.1149A>C, p.Arg383Ser (NM_001145393.3, NM_001321279.2); c.1050A>C, p.Arg350Ser (NM_001145394.2); short protein forms R350S, R383S, R409S.
Identifiers: ClinVar variation 2497764 (VCV002497764.1), dbSNP rs532202179, ClinGen allele CA69598209.
Genomic context (GRCh38, chr3:12,529,852, plus strand): 5'-CCATTTTGAAGGCTCTCTCCGCAGGCCTCTCAGTTGGAAGTCCCTGGCTGCCTTGAGCAG[A>C]GTTTCCGTTAATGTCTCTAAGGTAACACAACATCAGCTTTGCCATTGGAGTGTCACTTAA-3'
Protein context (NP_079541.1, residues 399-419): LSWKSLAALS[Arg409Ser]VSVNVSKELM

ClinVar aggregate classification (germline): Uncertain significance (1 of 4 stars; one submission).

Allele frequency attached by ClinVar (database versions not stated): gnomAD 0.00001; 1000 Genomes Project 30x 0.00016; 1000 Genomes Project 0.00020.
gnomAD v4.1: 2 of 1,613,866 alleles (0.00012%); highest among the groups gnomAD compares: East Asian, 0.0022%; no homozygotes.

Submission:

GeneDx
Classification: Uncertain significance. Last evaluated: 2022-10-05. Review status: criteria provided, single submitter. Criteria: GeneDx Variant Classification Process June 2021. Collection method: clinical testing. Allele origin: germline. Affected: yes.
Comment: Not observed at significant frequency in large population cohorts (gnomAD); In silico analysis supports that this missense variant has a deleterious effect on protein structure/function; Has not been previously published as pathogenic or benign to our knowledge